The following is an entry in ClinVar:

NM_001297.5(CNGB1):c.1275C>G (p.Ala425=)

Gene: CNGB1 (cyclic nucleotide gated channel subunit beta 1; minus strand). Cytogenetic location: 16q21.
Variant type: single nucleotide variant.
Coding change: c.1275C>G on transcript NM_001297.5 (MANE Select); coding-DNA position 1275, C replaced by G.
Protein change: p.Ala425=; no amino-acid change (alanine 425 retained).
Molecular consequence: synonymous variant.
Genome position (GRCh38, 1-based): chr16:57,939,527, G>C on the plus strand (C>G on the coding strand, the complement: CNGB1 is on the minus strand). VCF-style: chr16-57939527-G-C. GRCh37 (hg19) VCF-style: chr16-57973431-G-C.
Other names: c.1257C>G, p.Ala419= (NM_001286130.2).
Identifiers: ClinVar variation 320097 (VCV000320097.18), dbSNP rs376016716, ClinGen allele CA8083486.

ClinVar aggregate classification (germline): Conflicting classifications of pathogenicity. Review status: criteria provided, conflicting classifications (1 of 4 stars). 6 submissions from 6 submitters: Uncertain significance (1); Benign (1); Likely benign (1). 3 of the submissions do not count toward it. Last evaluated 2026-01-13.

Conditions:
CNGB1-related disorder. Also called: CNGB1-related condition.
Retinitis pigmentosa (RP). Identifiers: Orphanet 791, MedGen C0035334, MeSH D012174, MONDO:0019200, OMIM 268000. Inheritance: Autosomal dominant, autosomal recessive and X linked inheritance.

Allele frequency attached by ClinVar (database versions not stated): TOPMed 0.00021; 1000 Genomes Project 30x 0.00031; ESP Exome Variant Server 0.00032.

Submissions (6):

Labcorp Genetics (formerly Invitae), Labcorp
Classification: Benign. Last evaluated: 2026-01-13. Review status: criteria provided, single submitter. Criteria: Invitae Variant Classification Sherloc (09022015). Collection method: clinical testing. Allele origin: germline.

Blueprint Genetics
Classification: Likely benign. Last evaluated: 2024-11-14. Review status: criteria provided, single submitter. Criteria: ACMG Guidelines, 2015. Collection method: clinical testing. Allele origin: germline.

Illumina Laboratory Services, Illumina
Classification: Uncertain significance for Retinitis pigmentosa. Last evaluated: 2018-01-13. Review status: criteria provided, single submitter. Criteria: ICSL Variant Classification Criteria 13 December 2019. Collection method: clinical testing. Allele origin: germline.

PreventionGenetics, part of Exact Sciences
Classification: Likely benign for CNGB1-related condition. Last evaluated: 2024-07-22. Review status: no assertion criteria provided. Collection method: clinical testing. Allele origin: germline. Not counted in ClinVar's aggregate classification.
Comment: This variant is classified as likely benign based on ACMG/AMP sequence variant interpretation guidelines (Richards et al. 2015 PMID: 25741868, with internal and published modifications).

Clinical Genetics DNA and cytogenetics Diagnostics Lab, Erasmus MC, Erasmus Medical Center
Classification: Likely benign. Review status: no assertion criteria provided. Collection method: clinical testing. Allele origin: germline. Affected: yes. Study: VKGL Data-share Consensus. Not counted in ClinVar's aggregate classification.

Clinical Genetics, Academic Medical Center
Classification: Benign. Review status: no assertion criteria provided. Collection method: clinical testing. Allele origin: germline. Affected: yes. Study: VKGL Data-share Consensus. Not counted in ClinVar's aggregate classification.